The following is an entry in ClinVar:

ClinVar aggregate classification (germline): Pathogenic. Review status: criteria provided, multiple submitters, no conflicts (2 of 4 stars). 2 submissions from 2 submitters: Pathogenic (2). Last evaluated 2024-05-20.

Conditions:
Spastic paraplegia. Identifiers: MedGen C0037772, HP:0001258.

Submissions (2):

Labcorp Genetics (formerly Invitae), Labcorp
Classification: Pathogenic for Spastic paraplegia. Last evaluated: 2024-05-20. Review status: criteria provided, single submitter. Criteria: Invitae Variant Classification Sherloc (09022015). Collection method: clinical testing. Allele origin: germline.
Comment: This sequence change creates a premature translational stop signal (p.Gln595*) in the SACS gene. It is expected to result in an absent or disrupted protein product. Loss-of-function variants in SACS are known to be pathogenic (PMID: 18465152, 20876471). This variant is not present in population databases (gnomAD no frequency). This premature translational stop signal has been observed in individual(s) with SACS-related conditions (PMID: 16961075). ClinVar contains an entry for this variant (Variation ID: 1184885). For these reasons, this variant has been classified as Pathogenic.

Institute of Medical Genetics and Applied Genomics, University Hospital Tübingen
Classification: Pathogenic. Last evaluated: 2021-06-17. Review status: criteria provided, single submitter. Criteria: ACMG Guidelines, 2015. Collection method: clinical testing. Allele origin: germline. Inheritance: Autosomal recessive inheritance. Affected: yes.

Literature cited by the submitters: PubMed 18465152 (cited by Labcorp Genetics (formerly Invitae), Labcorp); PubMed 20876471 (cited by Labcorp Genetics (formerly Invitae), Labcorp); PubMed 16961075 (cited by Labcorp Genetics (formerly Invitae), Labcorp).

NM_014363.6(SACS):c.1783C>T (p.Gln595Ter)

Gene: SACS (sacsin molecular chaperone; minus strand). Cytogenetic location: 13q12.12.
Variant type: single nucleotide variant.
Coding change: c.1783C>T on transcript NM_014363.6 (MANE Select); coding-DNA position 1783, C replaced by T.
Protein change: p.Gln595Ter; replaces glutamine 595 with a stop codon.
Molecular consequence: nonsense.
Genome position (GRCh38, 1-based): chr13:23,354,829, G>A on the plus strand (C>T on the coding strand, the complement: SACS is on the minus strand). VCF-style: chr13-23354829-G-A. GRCh37 (hg19) VCF-style: chr13-23928968-G-A.
Other names: c.1342C>T, p.Gln448Ter (NM_001278055.2); short protein forms Q448*, Q595*.
Identifiers: ClinVar variation 1184885 (VCV001184885.5), dbSNP rs2137718900, ClinGen allele CA387546544.